The following is an entry in ClinVar:

ClinVar aggregate classification (germline): Pathogenic (1 of 4 stars; one submission).

Conditions:
Multiple endocrine neoplasia type 4. Also called: MULTIPLE ENDOCRINE NEOPLASIA, TYPE IV. Identifiers: Orphanet 276152, MedGen C1970712, MONDO:0012552, OMIM 610755.

Submission:

Labcorp Genetics (formerly Invitae), Labcorp
Classification: Pathogenic for Multiple endocrine neoplasia type 4. Last evaluated: 2022-02-02. Review status: criteria provided, single submitter. Criteria: Invitae Variant Classification Sherloc (09022015). Collection method: clinical testing. Allele origin: germline.
Comment: This sequence change creates a premature translational stop signal (p.Pro133Phefs*13) in the CDKN1B gene. It is expected to result in an absent or disrupted protein product. Loss-of-function variants in CDKN1B are known to be pathogenic (PMID: 17030811, 24819502). This variant is not present in population databases (gnomAD no frequency). This variant has not been reported in the literature in individuals affected with CDKN1B-related conditions. For these reasons, this variant has been classified as Pathogenic.

Literature cited by the submitters: PubMed 17030811; PubMed 24819502.

NM_004064.5(CDKN1B):c.396_397insTT (p.Pro133fs)

Gene: CDKN1B (cyclin dependent kinase inhibitor 1B; plus strand). Cytogenetic location: 12p13.1.
Variant type: Insertion.
Coding change: c.396_397insTT on transcript NM_004064.5 (MANE Select); coding-DNA positions 396 to 397, TT inserted.
Protein change: p.Pro133fs; shifts the reading frame from proline 133.
Molecular consequence: frameshift variant.
Genome position: GRCh38 VCF-style: chr12-12718235-C-CTT. GRCh37 (hg19) VCF-style: chr12-12871169-C-CTT.
Other names: short protein forms P133fs.
Identifiers: ClinVar variation 2092093 (VCV002092093.4), dbSNP rs2497405587, ClinGen allele CA2580085207.